The following is an entry in ClinVar:

ClinVar aggregate classification (germline): Uncertain significance (1 of 4 stars; one submission).

Conditions:
DOCK2 deficiency. Also called: Immunodeficiency 40. Identifiers: Orphanet 447737, MedGen C4225328, MONDO:0014637, OMIM 616433.

Submission:

Labcorp Genetics (formerly Invitae), Labcorp
Classification: Uncertain significance for Immunodeficiency 40. Last evaluated: 2018-08-29. Review status: criteria provided, single submitter. Criteria: Invitae Variant Classification Sherloc (09022015). Collection method: clinical testing. Allele origin: germline.
Comment: This sequence change replaces proline with serine at codon 827 of the DOCK2 protein (p.Pro827Ser). The proline residue is highly conserved and there is a moderate physicochemical difference between proline and serine. This variant is not present in population databases (ExAC no frequency). This variant has not been reported in the literature in individuals with DOCK2-related disease. Algorithms developed to predict the effect of missense changes on protein structure and function are either unavailable or do not agree on the potential impact of this missense change (SIFT: "Tolerated"; PolyPhen-2: "Probably Damaging"; Align-GVGD: "Class C0"). In summary, the available evidence is currently insufficient to determine the role of this variant in disease. Therefore, it has been classified as a Variant of Uncertain Significance.

NM_004946.3(DOCK2):c.2479C>T (p.Pro827Ser)

Gene: DOCK2 (dedicator of cytokinesis 2; plus strand). Cytogenetic location: 5q35.1.
Variant type: single nucleotide variant.
Coding change: c.2479C>T on transcript NM_004946.3 (MANE Select); coding-DNA position 2479, C replaced by T.
Protein change: p.Pro827Ser; replaces proline 827 with serine.
Molecular consequence: missense variant. On other transcripts: non-coding transcript variant (1).
Genome position (GRCh38, 1-based): chr5:169,761,550, C>T. VCF-style: chr5-169761550-C-T. GRCh37 (hg19) VCF-style: chr5-169188554-C-T.
Other names: c.2479C>T, p.Pro827Ser (LRG_1227t1); short protein forms P827S.
Identifiers: ClinVar variation 643199 (VCV000643199.1), dbSNP rs1581153476, ClinGen allele CA362197896.